The following is an entry in ClinVar:

NM_000135.4(FANCA):c.1157G>C (p.Trp386Ser)

Gene: FANCA (FA complementation group A; minus strand). Cytogenetic location: 16q24.3.
Variant type: single nucleotide variant.
Coding change: c.1157G>C on transcript NM_000135.4 (MANE Select); coding-DNA position 1157, G replaced by C.
Protein change: p.Trp386Ser; replaces tryptophan 386 with serine.
Molecular consequence: missense variant.
Genome position (GRCh38, 1-based): chr16:89,791,995, C>G on the plus strand (G>C on the coding strand, the complement: FANCA is on the minus strand). VCF-style: chr16-89791995-C-G. GRCh37 (hg19) VCF-style: chr16-89858403-C-G.
Other names: c.1157G>C, p.Trp386Ser (NM_001286167.3); short protein forms W386S.
Identifiers: ClinVar variation 4824609 (VCV004824609.1).

ClinVar aggregate classification (germline): Uncertain significance (1 of 4 stars; one submission).

Conditions:
Inborn genetic diseases. Identifiers: MedGen C0950123, MeSH D030342.

Submission:

Ambry Genetics
Classification: Uncertain significance for Inborn genetic diseases. Last evaluated: 2026-02-19. Review status: criteria provided, single submitter. Criteria: Ambry Variant Classification Scheme 2023. Collection method: clinical testing. Allele origin: germline.
Comment: The p.W386S variant (also known as c.1157G>C), located in coding exon 13 of the FANCA gene, results from a G to C substitution at nucleotide position 1157. The tryptophan at codon 386 is replaced by serine, an amino acid with highly dissimilar properties. This amino acid position is conserved. In addition, this alteration is predicted to be deleterious by in silico analysis. Based on the available evidence, the clinical significance of this variant remains unclear.